The following is an entry in ClinVar:

NM_000535.7(PMS2):c.610A>C (p.Asn204His)

Gene: PMS2 (PMS1 homolog 2, mismatch repair system component; minus strand). Cytogenetic location: 7p22.1.
Variant type: single nucleotide variant.
Coding change: c.610A>C on transcript NM_000535.7 (MANE Select); coding-DNA position 610, A replaced by C.
Protein change: p.Asn204His; replaces asparagine 204 with histidine.
Molecular consequence: missense variant. On other transcripts: 5 prime UTR variant (2), non-coding transcript variant (1), intron variant (1).
Genome position (GRCh38, 1-based): chr7:5,999,203, T>G on the plus strand (A>C on the coding strand, the complement: PMS2 is on the minus strand). VCF-style: chr7-5999203-T-G. GRCh37 (hg19) VCF-style: chr7-6038834-T-G.
Other names: c.205A>C, p.Asn69His (NM_001322003.2, NM_001322004.2, NM_001322005.2 and 2 more transcripts); c.610A>C, p.Asn204His (NM_001322006.2, NM_001322014.2); c.292A>C, p.Asn98His (NM_001322007.2, NM_001322008.2); c.-324A>C (NM_001322011.2, NM_001322012.2); c.301A>C, p.Asn101His (NM_001322015.2); c.133-1780A>C (NM_001322013.2); short protein forms N204H, N98H, N101H, N69H.
Identifiers: ClinVar variation 418414 (VCV000418414.10), dbSNP rs746910555, ClinGen allele CA16618528.

ClinVar aggregate classification (germline): Uncertain significance. Review status: criteria provided, multiple submitters, no conflicts (2 of 4 stars). 3 submissions from 3 submitters: Uncertain significance (3). Last evaluated 2026-08-17.

Conditions:
Hereditary nonpolyposis colorectal neoplasms. Identifiers: MedGen C0009405, MeSH D003123.
Hereditary cancer-predisposing syndrome. Also called: Neoplastic Syndromes, Hereditary; Hereditary Cancer Syndrome; Tumor predisposition; Hereditary neoplastic syndrome. Identifiers: Orphanet 140162, MedGen C0027672, MeSH D009386, MONDO:0015356.

Submissions (3):

Ambry Genetics
Classification: Uncertain significance for Hereditary cancer-predisposing syndrome. Last evaluated: 2026-08-17. Review status: criteria provided, single submitter. Criteria: Ambry Variant Classification Scheme 2023. Collection method: clinical testing. Allele origin: germline.
Comment: The p.N204H variant (also known as c.610A>C), located in coding exon 6 of the PMS2 gene, results from an A to C substitution at nucleotide position 610. The asparagine at codon 204 is replaced by histidine, an amino acid with similar properties. This amino acid position is highly conserved in available vertebrate species. In addition, the in silico prediction for this alteration is inconclusive. Based on the available evidence, the clinical significance of this variant remains unclear.

Labcorp Genetics (formerly Invitae), Labcorp
Classification: Uncertain significance for Hereditary nonpolyposis colorectal neoplasms. Last evaluated: 2022-12-21. Review status: criteria provided, single submitter. Criteria: Invitae Variant Classification Sherloc (09022015). Collection method: clinical testing. Allele origin: germline.
Comment: ClinVar contains an entry for this variant (Variation ID: 418414). This missense change has been observed in individual(s) with personal and/or family history of breast and/or ovarian cancer (PMID: 24549055). This variant is not present in population databases (gnomAD no frequency). This sequence change replaces asparagine, which is neutral and polar, with histidine, which is basic and polar, at codon 204 of the PMS2 protein (p.Asn204His). Algorithms developed to predict the effect of missense changes on protein structure and function (SIFT, PolyPhen-2, Align-GVGD) all suggest that this variant is likely to be disruptive. In summary, the available evidence is currently insufficient to determine the role of this variant in disease. Therefore, it has been classified as a Variant of Uncertain Significance.

GeneDx
Classification: Uncertain significance. Last evaluated: 2015-02-27. Review status: criteria provided, single submitter. Criteria: GeneDx Variant Classification (06012015). Collection method: clinical testing. Allele origin: germline. Affected: yes.
Comment: This variant is denoted PMS2 c.610A>C at the cDNA level, p.Asn204His (N204H) at the protein level, and results in the change of an Asparagine to a Histidine (AAT>CAT). This variant has been reported in an individual with a personal and/or family history of breast and/or ovarian cancer (Castera 2014). PMS2 Asn204His was not observed in approximately 6,500 individuals of European and African American ancestry in the NHLBI Exome Sequencing Project, indicating it is not a common benign variant in these populations. Since Asparagine and Histidine differ in some properties, this is considered a semi-conservative amino acid substitution. PMS2 Asn204His occurs at a position that is well conserved across vertebrates and is located in the ATPase domain (Fukui 2011). In silico analyses predict that this variant is probably damaging to protein structure and function. Based on currently available information, it is unclear whether PMS2 Asn204His is pathogenic or benign. We consider it to be a variant of uncertain significance.

Literature cited by the submitters: PubMed 24549055 (cited by Labcorp Genetics (formerly Invitae), Labcorp).